The following is an entry in ClinVar:

NM_173628.4(DNAH17):c.12810C>A (p.Ser4270=)

Gene: DNAH17 (dynein axonemal heavy chain 17; minus strand). Cytogenetic location: 17q25.3.
Variant type: single nucleotide variant.
Coding change: c.12810C>A on transcript NM_173628.4 (MANE Select); coding-DNA position 12810, C replaced by A.
Protein change: p.Ser4270=; no amino-acid change (serine 4270 retained).
Molecular consequence: synonymous variant.
Genome position (GRCh38, 1-based): chr17:78,426,562, G>T on the plus strand (C>A on the coding strand, the complement: DNAH17 is on the minus strand). VCF-style: chr17-78426562-G-T. GRCh37 (hg19) VCF-style: chr17-76422643-G-T.
Identifiers: ClinVar variation 3052810 (VCV003052810.2), dbSNP rs112017999, ClinGen allele CA8799818.
Genomic context (GRCh38, chr17:78,426,562, plus strand): 5'-CATGGAGGGGTAGGCCCGGGCCACCCACGTATCAGGCACGGTGTCATAGAAGAGAGCCGT[G>T]GACAGATCTTCCACGTCGGTCGTGATGGTCAGTTCTCCCTAGGAGACACACAGATGGGTG-3'
Protein context (NP_775899.3, residues 4260-4280): LTITTDVEDL[Ser4270=]TALFYDTVPD

ClinVar aggregate classification (germline): Likely benign (0 of 4 stars; one submission).

Conditions:
DNAH17-related disorder. Also called: DNAH17-related condition.

Allele frequency attached by ClinVar (database versions not stated): 1000 Genomes Project 0.00020; 1000 Genomes Project 30x 0.00031; ExAC 0.00056; gnomAD 0.00092; TOPMed 0.00093; ESP Exome Variant Server 0.00161.
gnomAD v4.1: 2,368 of 1,613,226 alleles (0.15%); highest among the groups gnomAD compares: Non-Finnish European, 0.18%; 5 homozygotes.

Submission:

PreventionGenetics, part of Exact Sciences
Classification: Likely benign for DNAH17-related condition. Last evaluated: 2019-09-05. Review status: no assertion criteria provided. Collection method: clinical testing. Allele origin: germline.
Comment: This variant is classified as likely benign based on ACMG/AMP sequence variant interpretation guidelines (Richards et al. 2015 PMID: 25741868, with internal and published modifications).